The following is an entry in ClinVar:

ClinVar aggregate classification (germline): Uncertain significance (1 of 4 stars; one submission).

Conditions:
Neuronopathy, distal hereditary motor, type 7A. Also called: Neuronopathy, distal hereditary motor, autosomal dominant 7; Neuronopathy, distal hereditary motor, type viia; HARPER-YOUNG MYOPATHY; HMN VIIA; NEURONOPATHY, DISTAL HEREDITARY MOTOR, HARDING TYPE VIIA; NEUROPATHY, DISTAL HEREDITARY MOTOR, HARDING TYPE VIIA. Identifiers: Orphanet 139589, MedGen C1834703, MONDO:0008024, OMIM 158580.
Congenital myasthenic syndrome 20. Also called: Myasthenic syndrome, congenital, 20, presynaptic. Identifiers: MedGen C4310694, MONDO:0014939, OMIM 617143.

Submission:

Labcorp Genetics (formerly Invitae), Labcorp
Classification: Uncertain significance for Neuronopathy, distal hereditary motor, type 7A; Congenital myasthenic syndrome 20. Last evaluated: 2024-10-15. Review status: criteria provided, single submitter. Criteria: Invitae Variant Classification Sherloc (09022015). Collection method: clinical testing. Allele origin: germline.
Comment: This sequence change replaces methionine, which is neutral and non-polar, with valine, which is neutral and non-polar, at codon 126 of the SLC5A7 protein (p.Met126Val). This variant is not present in population databases (gnomAD no frequency). This variant has not been reported in the literature in individuals affected with SLC5A7-related conditions. ClinVar contains an entry for this variant (Variation ID: 848076). Invitae Evidence Modeling of protein sequence and biophysical properties (such as structural, functional, and spatial information, amino acid conservation, physicochemical variation, residue mobility, and thermodynamic stability) indicates that this missense variant is not expected to disrupt SLC5A7 protein function with a negative predictive value of 80%. In summary, the available evidence is currently insufficient to determine the role of this variant in disease. Therefore, it has been classified as a Variant of Uncertain Significance.

NM_021815.5(SLC5A7):c.376A>G (p.Met126Val)

Gene: SLC5A7 (solute carrier family 5 member 7; plus strand). Cytogenetic location: 2q12.3.
Variant type: single nucleotide variant.
Coding change: c.376A>G on transcript NM_021815.5 (MANE Select); coding-DNA position 376, A replaced by G.
Protein change: p.Met126Val; replaces methionine 126 with valine.
Molecular consequence: missense variant. On other transcripts: 5 prime UTR variant (1).
Genome position (GRCh38, 1-based): chr2:107,993,055, A>G. VCF-style: chr2-107993055-A-G. GRCh37 (hg19) VCF-style: chr2-108609511-A-G.
Other names: c.376A>G, p.Met126Val (NM_001305005.3); c.61A>G, p.Met21Val (NM_001305006.3); c.-329A>G (NM_001305007.3); short protein forms M126V, M21V.
Identifiers: ClinVar variation 848076 (VCV000848076.9), dbSNP rs371931981, ClinGen allele CA348020844.